The following is an entry in ClinVar:

NM_001368809.2(AMPD2):c.1532C>T (p.Ser511Phe)

Genes: AMPD2 (adenosine monophosphate deaminase 2; plus strand), LOC126805822 (BRD4-independent group 4 enhancer GRCh37_chr1:110170748-110171947; plus strand). Cytogenetic location: 1p13.3.
Variant type: single nucleotide variant.
Coding change: c.1532C>T on transcript NM_001368809.2 (MANE Select); coding-DNA position 1532, C replaced by T.
Protein change: p.Ser511Phe; replaces serine 511 with phenylalanine.
Molecular consequence: missense variant.
Genome position (GRCh38, 1-based): chr1:109,628,767, C>T. VCF-style: chr1-109628767-C-T. GRCh37 (hg19) VCF-style: chr1-110171389-C-T.
Other names: c.1340C>T, p.Ser447Phe (NM_001257361.2); c.1469C>T, p.Ser490Phe (NM_001308170.1); c.1532C>T, p.Ser511Phe (NM_004037.9); c.1451C>T, p.Ser484Phe (NM_139156.4); short protein forms S447F, S484F, S490F, S511F.
Identifiers: ClinVar variation 1345773 (VCV001345773.8), dbSNP rs2101167424, ClinGen allele CA341559203.

ClinVar aggregate classification (germline): Uncertain significance (1 of 4 stars; one submission).

Conditions:
Pontocerebellar hypoplasia type 9. Identifiers: Orphanet 369920, MedGen C4014354, MONDO:0014351, OMIM 615809.
Hereditary spastic paraplegia 63. Also called: Spastic paraplegia 63, autosomal recessive. Identifiers: Orphanet 401805, MedGen C3810295, MONDO:0014305, OMIM 615686.

Submission:

Labcorp Genetics (formerly Invitae), Labcorp
Classification: Uncertain significance for Pontocerebellar hypoplasia type 9; Hereditary spastic paraplegia 63. Last evaluated: 2022-07-06. Review status: criteria provided, single submitter. Criteria: Invitae Variant Classification Sherloc (09022015). Collection method: clinical testing. Allele origin: germline.
Comment: This sequence change replaces serine, which is neutral and polar, with phenylalanine, which is neutral and non-polar, at codon 565 of the AMPD2 protein (p.Ser565Phe). This variant is not present in population databases (gnomAD no frequency). This variant has not been reported in the literature in individuals affected with AMPD2-related conditions. ClinVar contains an entry for this variant (Variation ID: 1345773). Algorithms developed to predict the effect of missense changes on protein structure and function are either unavailable or do not agree on the potential impact of this missense change (SIFT: "Deleterious"; PolyPhen-2: "Probably Damaging"; Align-GVGD: "Class C15"). In summary, the available evidence is currently insufficient to determine the role of this variant in disease. Therefore, it has been classified as a Variant of Uncertain Significance.